The following is an entry in ClinVar:

ClinVar aggregate classification (germline): Uncertain significance (1 of 4 stars; one submission).

Conditions:
Regional enteritis. Also called: Enteritis, Granulomatous. Identifiers: MedGen C0678202, MeSH D003424.
Blau syndrome (BLAUS). Also called: ARTHROCUTANEOUVEAL GRANULOMATOSIS; GRANULOMATOSIS, FAMILIAL JUVENILE SYSTEMIC; GRANULOMATOSIS, FAMILIAL, BLAU TYPE; GRANULOMATOUS INFLAMMATORY ARTHRITIS, DERMATITIS, AND UVEITIS, FAMILIAL; JABS SYNDROME. Identifiers: Orphanet 90340, MedGen C5201146, MONDO:0008523, OMIM 186580.

Allele frequency attached by ClinVar (database versions not stated): gnomAD exomes below 0.00001.
gnomAD v4.1: 7 of 1,614,156 alleles (0.00043%); highest among the groups gnomAD compares: Non-Finnish European, 0.00059%; no homozygotes.

Submission:

Labcorp Genetics (formerly Invitae), Labcorp
Classification: Uncertain significance for Regional enteritis; Blau syndrome. Last evaluated: 2022-08-08. Review status: criteria provided, single submitter. Criteria: Invitae Variant Classification Sherloc (09022015). Collection method: clinical testing. Allele origin: germline.
Comment: In summary, the available evidence is currently insufficient to determine the role of this variant in disease. Therefore, it has been classified as a Variant of Uncertain Significance. Advanced modeling of protein sequence and biophysical properties (such as structural, functional, and spatial information, amino acid conservation, physicochemical variation, residue mobility, and thermodynamic stability) performed at Invitae indicates that this missense variant is not expected to disrupt NOD2 protein function. This variant has not been reported in the literature in individuals affected with NOD2-related conditions. This variant is present in population databases (no rsID available, gnomAD 0.0009%). This sequence change replaces threonine, which is neutral and polar, with alanine, which is neutral and non-polar, at codon 97 of the NOD2 protein (p.Thr97Ala).

NM_001370466.1(NOD2):c.208A>G (p.Thr70Ala)

Gene: NOD2 (nucleotide binding oligomerization domain containing 2; plus strand). Cytogenetic location: 16q12.1.
Variant type: single nucleotide variant.
Coding change: c.208A>G on transcript NM_001370466.1 (MANE Select); coding-DNA position 208, A replaced by G.
Protein change: p.Thr70Ala; replaces threonine 70 with alanine.
Molecular consequence: missense variant. On other transcripts: non-coding transcript variant (1).
Genome position (GRCh38, 1-based): chr16:50,699,703, A>G. VCF-style: chr16-50699703-A-G. GRCh37 (hg19) VCF-style: chr16-50733614-A-G.
Other names: c.208A>G, p.Thr70Ala (NM_001293557.2); c.289A>G, p.Thr97Ala (NM_022162.3); short protein forms T70A, T97A.
Identifiers: ClinVar variation 1715769 (VCV001715769.6), dbSNP rs1472138329, ClinGen allele CA395866050.
Genomic context (GRCh38, chr16:50,699,703, plus strand): 5'-CTGGGCCAGCCTCTCTCCCACTTGGCCAGGCGCCTTCTGGACACCGTCTGGAATAAGGGT[A>G]CTTGGGCCTGTCAGAAGCTCATCGCGGCTGCCCAAGAAGCCCAGGCCGACAGCCAGTCCC-3'
Protein context (NP_001357395.1, residues 60-80): RLLDTVWNKG[Thr70Ala]WACQKLIAAA